The following is an entry in ClinVar:

NM_001379500.1(COL18A1):c.1252G>A (p.Asp418Asn)

Gene: COL18A1 (collagen type XVIII alpha 1 chain; plus strand). Cytogenetic location: 21q22.3.
Variant type: single nucleotide variant.
Coding change: c.1252G>A on transcript NM_001379500.1 (MANE Select); coding-DNA position 1252, G replaced by A.
Protein change: p.Asp418Asn; replaces aspartic acid 418 with asparagine.
Molecular consequence: missense variant.
Genome position (GRCh38, 1-based): chr21:45,479,905, G>A. VCF-style: chr21-45479905-G-A. GRCh37 (hg19) VCF-style: chr21-46899819-G-A.
Other names: c.1792G>A, p.Asp598Asn (NM_030582.4); c.2497G>A, p.Asp833Asn (NM_130444.3); short protein forms D418N, D598N, D833N.
Identifiers: ClinVar variation 1396030 (VCV001396030.4), dbSNP rs748428793, ClinGen allele CA10066206.

ClinVar aggregate classification (germline): Uncertain significance. Review status: criteria provided, multiple submitters, no conflicts (2 of 4 stars). 2 submissions from 2 submitters: Uncertain significance (2). Last evaluated 2024-10-10.

Allele frequency attached by ClinVar (database versions not stated): ExAC 0.00001; gnomAD exomes 0.00001 and 0.00002; TOPMed 0.00001.
gnomAD v4.1: 32 of 1,613,568 alleles (0.002%); highest among the groups gnomAD compares: South Asian, 0.0033%; no homozygotes.

Submissions (2):

Blueprint Genetics
Classification: Uncertain significance. Last evaluated: 2024-10-10. Review status: criteria provided, single submitter. Criteria: ACMG Guidelines, 2015. Collection method: clinical testing. Allele origin: germline.

Labcorp Genetics (formerly Invitae), Labcorp
Classification: Uncertain significance. Last evaluated: 2022-08-23. Review status: criteria provided, single submitter. Criteria: Invitae Variant Classification Sherloc (09022015). Collection method: clinical testing. Allele origin: germline.
Comment: This sequence change replaces aspartic acid, which is acidic and polar, with asparagine, which is neutral and polar, at codon 418 of the COL18A1 protein (p.Asp418Asn). This variant is present in population databases (rs748428793, gnomAD 0.003%). This variant has not been reported in the literature in individuals affected with COL18A1-related conditions. ClinVar contains an entry for this variant (Variation ID: 1396030). Experimental studies and prediction algorithms are not available or were not evaluated, and the functional significance of this variant is currently unknown. In summary, the available evidence is currently insufficient to determine the role of this variant in disease. Therefore, it has been classified as a Variant of Uncertain Significance.